The following is an entry in ClinVar:

NM_000492.4(CFTR):c.2335C>A (p.Gln779Lys)

Gene: CFTR (CF transmembrane conductance regulator; plus strand). Cytogenetic location: 7q31.2.
Variant type: single nucleotide variant.
Coding change: c.2335C>A on transcript NM_000492.4 (MANE Select); coding-DNA position 2335, C replaced by A.
Protein change: p.Gln779Lys; replaces glutamine 779 with lysine.
Molecular consequence: missense variant.
Genome position (GRCh38, 1-based): chr7:117,592,502, C>A. VCF-style: chr7-117592502-C-A. GRCh37 (hg19) VCF-style: chr7-117232556-C-A.
Other names: short protein forms Q779K.
Identifiers: ClinVar variation 3231857 (VCV003231857.1), dbSNP rs2116033063, ClinGen allele CA368981000.

ClinVar aggregate classification (germline): Uncertain significance (1 of 4 stars; one submission).

Conditions:
Cystic fibrosis (CF). Also called: MUCOVISCIDOSIS. Identifiers: Orphanet 586, MedGen C0010674, MONDO:0009061, OMIM 219700. Disease mechanism: loss of function.

Submission:

Ambry Genetics
Classification: Uncertain significance for Cystic fibrosis. Last evaluated: 2023-10-22. Review status: criteria provided, single submitter. Criteria: Ambry Variant Classification Scheme 2023. Collection method: clinical testing. Allele origin: germline.
Comment: The p.Q779K variant (also known as c.2335C>A), located in coding exon 14 of the CFTR gene, results from a C to A substitution at nucleotide position 2335. The glutamine at codon 779 is replaced by lysine, an amino acid with similar properties. This amino acid position is conserved. In addition, the in silico prediction for this alteration is inconclusive. Since supporting evidence is limited at this time, the clinical significance of this alteration remains unclear.